The following is an entry in ClinVar:

ClinVar aggregate classification (germline): Benign. Review status: criteria provided, multiple submitters, no conflicts (2 of 4 stars). 2 submissions from 2 submitters: Benign (2). Last evaluated 2018-06-14.

Allele frequency attached by ClinVar (database versions not stated): ESP Exome Variant Server 0.11870; gnomAD 0.12091 and 0.12696; TOPMed 0.13288; 1000 Genomes Project 0.13638; 1000 Genomes Project 30x 0.14257.
gnomAD v4.1: 64,534 of 1,605,858 alleles (4%); highest among the groups gnomAD compares: African/African-American, 37%; 6,082 homozygotes.

Submissions (2):

GeneDx
Classification: Benign. Last evaluated: 2018-06-14. Review status: criteria provided, single submitter. Criteria: GeneDx Variant Classification (06012015). Collection method: clinical testing. Allele origin: germline. Affected: yes.
Comment: This variant is considered likely benign or benign based on one or more of the following criteria: it is a conservative change, it occurs at a poorly conserved position in the protein, it is predicted to be benign by multiple in silico algorithms, and/or has population frequency not consistent with disease.

Breakthrough Genomics
Classification: Benign. Review status: criteria provided, single submitter. Criteria: ACMG Guidelines, 2015. Collection method: not provided. Allele origin: germline. Inheritance: Autosomal dominant inheritance. Affected: yes.

NM_000088.4(COL1A1):c.588+72A>G

Gene: COL1A1 (collagen type I alpha 1 chain; minus strand). Cytogenetic location: 17q21.33.
Variant type: single nucleotide variant.
Coding change: c.588+72A>G on transcript NM_000088.4 (MANE Select); 72 bases into the intron after coding-DNA position 588, A replaced by G.
Molecular consequence: intron variant.
Genome position (GRCh38, 1-based): chr17:50,198,089, T>C on the plus strand (A>G on the coding strand, the complement: COL1A1 is on the minus strand). VCF-style: chr17-50198089-T-C. GRCh37 (hg19) VCF-style: chr17-48275450-T-C.
Identifiers: ClinVar variation 675130 (VCV000675130.2), dbSNP rs8076979, ClinGen allele CA14465320.